The following is an entry in ClinVar:

ClinVar aggregate classification (germline): Uncertain significance (1 of 4 stars; one submission).

Conditions:
Catecholaminergic polymorphic ventricular tachycardia 1. Also called: RYR2-Related Catecholaminergic Polymorphic Ventricular Tachycardia; VENTRICULAR TACHYCARDIA, CATECHOLAMINERGIC POLYMORPHIC, 1, WITH OR WITHOUT ATRIAL DYSFUNCTION AND/OR DILATED CARDIOMYOPATHY; VENTRICULAR TACHYCARDIA, STRESS-INDUCED POLYMORPHIC 1. Identifiers: Orphanet 3286, MedGen C1631597, MONDO:0011484, OMIM 604772.

Allele frequency attached by ClinVar (database versions not stated): gnomAD exomes 0.00001.
gnomAD v4.1: 12 of 1,613,942 alleles (0.00074%); highest among the groups gnomAD compares: Non-Finnish European, 0.001%; no homozygotes.

Submission:

Labcorp Genetics (formerly Invitae), Labcorp
Classification: Uncertain significance for Catecholaminergic polymorphic ventricular tachycardia 1. Last evaluated: 2019-04-01. Review status: criteria provided, single submitter. Criteria: Invitae Variant Classification Sherloc (09022015). Collection method: clinical testing. Allele origin: germline.
Comment: In summary, the available evidence is currently insufficient to determine the role of this variant in disease. Therefore, it has been classified as a Variant of Uncertain Significance. Algorithms developed to predict the effect of sequence changes on RNA splicing suggest that this variant may create or strengthen a splice site, but this prediction has not been confirmed by published transcriptional studies. This variant has not been reported in the literature in individuals with TRDN-related conditions. This variant is not present in population databases (ExAC no frequency). This sequence change replaces isoleucine with threonine at codon 17 of the TRDN protein (p.Ile17Thr). The isoleucine residue is moderately conserved and there is a moderate physicochemical difference between isoleucine and threonine.

NM_006073.4(TRDN):c.50T>C (p.Ile17Thr)

Gene: TRDN (triadin; minus strand). Cytogenetic location: 6q22.31.
Variant type: single nucleotide variant.
Coding change: c.50T>C on transcript NM_006073.4 (MANE Select); coding-DNA position 50, T replaced by C.
Protein change: p.Ile17Thr; replaces isoleucine 17 with threonine.
Molecular consequence: missense variant.
Genome position (GRCh38, 1-based): chr6:123,571,105, A>G on the plus strand (T>C on the coding strand, the complement: TRDN is on the minus strand). VCF-style: chr6-123571105-A-G. GRCh37 (hg19) VCF-style: chr6-123892250-A-G.
Other names: c.50T>C, p.Ile17Thr (NM_001256020.2, NM_001256021.2, NM_001256022.2 and 1 more transcripts); short protein forms I17T.
Identifiers: ClinVar variation 657161 (VCV000657161.10), dbSNP rs1583264951, ClinGen allele CA365569390.